The following is an entry in ClinVar:

NM_001382430.1(AKT1):c.703-70A>G

Gene: AKT1 (AKT serine/threonine kinase 1; minus strand). Cytogenetic location: 14q32.33.
Variant type: single nucleotide variant.
Coding change: c.703-70A>G on transcript NM_001382430.1 (MANE Select); 70 bases into the intron before coding-DNA position 703, A replaced by G.
Molecular consequence: intron variant.
Genome position (GRCh38, 1-based): chr14:104,773,650, T>C on the plus strand (A>G on the coding strand, the complement: AKT1 is on the minus strand). VCF-style: chr14-104773650-T-C. GRCh37 (hg19) VCF-style: chr14-105239987-T-C.
Other names: c.703-70A>G (NM_001014431.2, NM_001014432.2, NM_001382433.1 and 3 more transcripts).
Identifiers: ClinVar variation 1708412 (VCV001708412.3), dbSNP rs982744857, ClinGen allele CA2580088478.

ClinVar aggregate classification (germline): Uncertain significance (1 of 4 stars; one submission).

Submission:

Centre of Medical Genetics, University Hospital Muenster
Classification: Uncertain significance. Last evaluated: 2022-08-24. Review status: criteria provided, single submitter. Criteria: ACMG Guidelines, 2015. Collection method: clinical testing. Allele origin: unknown. Affected: yes. Observed: 1 variant allele, 1 heterozygote.
Comment: ACMG categories: PP4